The following is an entry in ClinVar:

NM_005188.4(CBL):c.628C>G (p.His210Asp)

Gene: CBL (Cbl proto-oncogene; plus strand). Cytogenetic location: 11q23.3.
Variant type: single nucleotide variant.
Coding change: c.628C>G on transcript NM_005188.4 (MANE Select); coding-DNA position 628, C replaced by G.
Protein change: p.His210Asp; replaces histidine 210 with aspartic acid.
Molecular consequence: missense variant.
Genome position (GRCh38, 1-based): chr11:119,273,905, C>G. VCF-style: chr11-119273905-C-G. GRCh37 (hg19) VCF-style: chr11-119144615-C-G.
Other names: c.628C>G (NM_005188.2); short protein forms H210D.
Identifiers: ClinVar variation 2796765 (VCV002796765.4), dbSNP rs2135298794, ClinGen allele CA382909070.

ClinVar aggregate classification (germline): Uncertain significance. Review status: criteria provided, multiple submitters, no conflicts (2 of 4 stars). 2 submissions from 2 submitters: Uncertain significance (2). Last evaluated 2024-01-31.

Conditions:
Cardiovascular phenotype. Identifiers: MedGen CN230736.
RASopathy. Also called: Noonan spectrum disorder; rasopathies. Identifiers: Orphanet 536391, MedGen C5555857, MONDO:0021060.

Submissions (2):

Ambry Genetics
Classification: Uncertain significance for Cardiovascular phenotype. Last evaluated: 2024-01-31. Review status: criteria provided, single submitter. Criteria: Ambry Variant Classification Scheme 2023. Collection method: clinical testing. Allele origin: germline.
Comment: The p.H210D variant (also known as c.628C>G), located in coding exon 4 of the CBL gene, results from a C to G substitution at nucleotide position 628. The histidine at codon 210 is replaced by aspartic acid, an amino acid with similar properties. This amino acid position is conserved. In addition, this alteration is predicted to be deleterious by in silico analysis. Based on the available evidence, the clinical significance of this alteration remains unclear.

Labcorp Genetics (formerly Invitae), Labcorp
Classification: Uncertain significance for RASopathy. Last evaluated: 2023-08-01. Review status: criteria provided, single submitter. Criteria: Invitae Variant Classification Sherloc (09022015). Collection method: clinical testing. Allele origin: germline.
Comment: This variant has not been reported in the literature in individuals affected with CBL-related conditions. Advanced modeling of protein sequence and biophysical properties (such as structural, functional, and spatial information, amino acid conservation, physicochemical variation, residue mobility, and thermodynamic stability) has been performed at Invitae for this missense variant, however the output from this modeling did not meet the statistical confidence thresholds required to predict the impact of this variant on CBL protein function. In summary, the available evidence is currently insufficient to determine the role of this variant in disease. Therefore, it has been classified as a Variant of Uncertain Significance. This sequence change replaces histidine, which is basic and polar, with aspartic acid, which is acidic and polar, at codon 210 of the CBL protein (p.His210Asp). This variant is not present in population databases (gnomAD no frequency).